The following is an entry in ClinVar:

ClinVar aggregate classification (germline): Uncertain significance (1 of 4 stars; one submission).

Conditions:
Kennedy disease (SMAX1). Also called: SPINAL AND BULBAR MUSCULAR ATROPHY, X-LINKED 1; KENNEDY SPINAL AND BULBAR MUSCULAR ATROPHY; Spinal and Bulbar Muscular Atrophy. Identifiers: Orphanet 481, MedGen C1839259, MONDO:0010735, OMIM 313200.
Androgen resistance syndrome (AIS). Also called: DHTR DEFICIENCY; DIHYDROTESTOSTERONE RECEPTOR DEFICIENCY; ANDROGEN RECEPTOR DEFICIENCY; TESTICULAR FEMINIZATION SYNDROME; Androgen insensitivity syndrome; Androgen insensitivity. Identifiers: Orphanet 754, Orphanet 99429, MedGen C0039585, MONDO:0019154, OMIM 300068. Disease mechanism: loss of function.

Submission:

Labcorp Genetics (formerly Invitae), Labcorp
Classification: Uncertain significance for Kennedy disease; Androgen resistance syndrome. Last evaluated: 2023-07-07. Review status: criteria provided, single submitter. Criteria: Invitae Variant Classification Sherloc (09022015). Collection method: clinical testing. Allele origin: germline.
Comment: This variant is not present in population databases (gnomAD no frequency). In summary, the available evidence is currently insufficient to determine the role of this variant in disease. Therefore, it has been classified as a Variant of Uncertain Significance. Advanced modeling of protein sequence and biophysical properties (such as structural, functional, and spatial information, amino acid conservation, physicochemical variation, residue mobility, and thermodynamic stability) has been performed at Invitae for this missense variant, however the output from this modeling did not meet the statistical confidence thresholds required to predict the impact of this variant on AR protein function. This variant is also known as L820V. This missense change has been observed in individual(s) with clinical features of androgen insensitivity syndrome (PMID: 1458719, 27899157; Invitae). This sequence change replaces leucine, which is neutral and non-polar, with valine, which is neutral and non-polar, at codon 822 of the AR protein (p.Leu822Val).

Literature cited by the submitters: PubMed 1458719; PubMed 27899157.

NM_000044.6(AR):c.2464C>G (p.Leu822Val)

Gene: AR (androgen receptor; plus strand). Cytogenetic location: Xq12.
Variant type: single nucleotide variant.
Coding change: c.2464C>G on transcript NM_000044.6 (MANE Select); coding-DNA position 2464, C replaced by G.
Protein change: p.Leu822Val; replaces leucine 822 with valine.
Molecular consequence: missense variant.
Genome position (GRCh38, 1-based): chrX:67,722,841, C>G. VCF-style: chrX-67722841-C-G. GRCh37 (hg19) VCF-style: chrX-66942683-C-G.
Other names: c.868C>G, p.Leu290Val (NM_001011645.3); c.2467C>G, p.Leu823Val (NM_001424175.1); short protein forms L290V, L823V, L822V.
Identifiers: ClinVar variation 2925680 (VCV002925680.3), dbSNP rs1309470229, ClinGen allele CA413427514.
Genomic context (GRCh38, chrX:67,722,841, plus strand): 5'-TCGTGGGCATGCTTCCCCTCCCCATTCTGTCTTCATCCCACATCAGTTCCAGTGGATGGG[C>G]TGAAAAATCAAAAATTCTTTGATGAACTTCGAATGAACTACATCAAGGAACTCGATCGTA-3'
Protein context (NP_000035.2, residues 812-832): LLFSIIPVDG[Leu822Val]KNQKFFDELR